The following is an entry in ClinVar:

NM_006073.4(TRDN):c.1864A>T (p.Ser622Cys)

Gene: TRDN (triadin; minus strand). Cytogenetic location: 6q22.31.
Variant type: single nucleotide variant.
Coding change: c.1864A>T on transcript NM_006073.4 (MANE Select); coding-DNA position 1864, A replaced by T.
Protein change: p.Ser622Cys; replaces serine 622 with cysteine.
Molecular consequence: missense variant.
Genome position (GRCh38, 1-based): chr6:123,259,630, T>A on the plus strand (A>T on the coding strand, the complement: TRDN is on the minus strand). VCF-style: chr6-123259630-T-A. GRCh37 (hg19) VCF-style: chr6-123580775-T-A.
Other names: short protein forms S622C.
Identifiers: ClinVar variation 3225242 (VCV003225242.1), dbSNP rs577376276, ClinGen allele CA365563642.
Genomic context (GRCh38, chr6:123,259,630, plus strand): 5'-TTCCTCTGTTTTTGTGGCTAATTTGATGTATATGTCTTAAAATGTCATTTTTACCTTTAC[T>A]TTCTTTTTCAGATATTTCAGTTTTCTTCTTTCCTAGGGGAAAGAAAAACAACAAGAAACC-3'
Protein context (NP_006064.2, residues 612-632): KKKTEISEKE[Ser622Cys]KEKADMKHLR

ClinVar aggregate classification (germline): Uncertain significance (1 of 4 stars; one submission).

Conditions:
Cardiovascular phenotype. Identifiers: MedGen CN230736.

Submission:

Ambry Genetics
Classification: Uncertain significance for Cardiovascular phenotype. Last evaluated: 2024-03-14. Review status: criteria provided, single submitter. Criteria: Ambry Variant Classification Scheme 2023. Collection method: clinical testing. Allele origin: germline.
Comment: The p.S622C variant (also known as c.1864A>T), located in coding exon 35 of the TRDN gene, results from an A to T substitution at nucleotide position 1864. The serine at codon 622 is replaced by cysteine, an amino acid with dissimilar properties. This amino acid position is conserved. In addition, this alteration is predicted to be tolerated by in silico analysis. Based on the available evidence, the clinical significance of this alteration remains unclear.